The following is an entry in ClinVar:

ClinVar aggregate classification (germline): Uncertain significance (1 of 4 stars; one submission).

Conditions:
Dilated cardiomyopathy 1DD (CMD1DD). Identifiers: Orphanet 154, MedGen C2750995, MONDO:0013168, OMIM 613172.

Submission:

Labcorp Genetics (formerly Invitae), Labcorp
Classification: Uncertain significance for Dilated cardiomyopathy 1DD. Last evaluated: 2019-09-02. Review status: criteria provided, single submitter. Criteria: Invitae Variant Classification Sherloc (09022015). Collection method: clinical testing. Allele origin: germline.
Comment: This variant has not been reported in the literature in individuals with RBM20-related conditions. This sequence change replaces alanine with glycine at codon 65 of the RBM20 protein (p.Ala65Gly). The alanine residue is weakly conserved and there is a small physicochemical difference between alanine and glycine. The frequency data for this variant in the population databases is considered unreliable, as metrics indicate insufficient coverage at this position in the ExAC database. Algorithms developed to predict the effect of missense changes on protein structure and function are either unavailable or do not agree on the potential impact of this missense change (SIFT: "Not Available"; PolyPhen-2: "Probably Damaging"; Align-GVGD: "Class C0"). In summary, the available evidence is currently insufficient to determine the role of this variant in disease. Therefore, it has been classified as a Variant of Uncertain Significance.

NM_001134363.3(RBM20):c.194C>G (p.Ala65Gly)

Gene: RBM20 (RNA binding motif protein 20; plus strand). Cytogenetic location: 10q25.2.
Variant type: single nucleotide variant.
Coding change: c.194C>G on transcript NM_001134363.3 (MANE Select); coding-DNA position 194, C replaced by G.
Protein change: p.Ala65Gly; replaces alanine 65 with glycine.
Molecular consequence: missense variant.
Genome position (GRCh38, 1-based): chr10:110,780,803, C>G. VCF-style: chr10-110780803-C-G. GRCh37 (hg19) VCF-style: chr10-112540561-C-G.
Other names: short protein forms A65G.
Identifiers: ClinVar variation 937965 (VCV000937965.9), dbSNP rs1255136385, ClinGen allele CA378378831.
Genomic context (GRCh38, chr10:110,780,803, plus strand): 5'-GCCCCTTGCCCCCCTCATTGAAAACCAGCTGTGCATCTAGACCTCTGTCTTCCCACAGTG[C>G]CGCCAAGCTCCTGGACAAGAACCCATTCTCGGTCAGTAACCCGAACCCTCTGCTTCCTTC-3'
Protein context (NP_001127835.2, residues 55-75): QAGLPQIIQN[Ala65Gly]AKLLDKNPFS